The following is an entry in ClinVar:

ClinVar aggregate classification (germline): Uncertain significance. Review status: criteria provided, multiple submitters, no conflicts (2 of 4 stars). 2 submissions from 2 submitters: Uncertain significance (2). Last evaluated 2022-05-25.

Conditions:
Developmental and epileptic encephalopathy, 42 (DEE42A). Also called: DEVELOPMENTAL AND EPILEPTIC ENCEPHALOPATHY 42A; EPILEPTIC ENCEPHALOPATHY, EARLY INFANTILE, 42A; Epileptic encephalopathy, early infantile, 42. Identifiers: MedGen C4310716, MONDO:0014917, OMIM 617106.
Episodic ataxia type 2 (EA2). Also called: ACETAZOLAMIDE-RESPONSIVE HEREDITARY PAROXYSMAL CEREBELLAR ATAXIA; CEREBELLAR ATAXIA, PAROXYSMAL, ACETAZOLAMIDE-RESPONSIVE; CEREBELLOPATHY, HEREDITARY PAROXYSMAL; EPISODIC ATAXIA, NYSTAGMUS-ASSOCIATED; ATAXIA, EPISODIC, WITH NYSTAGMUS; ATAXIA, FAMILIAL PAROXYSMAL. Identifiers: Orphanet 97, MedGen C1720416, MONDO:0007163, OMIM 108500.

Allele frequency attached by ClinVar (database versions not stated): TOPMed below 0.00001.

Submissions (2):

MGZ Medical Genetics Center
Classification: Uncertain significance for Developmental and epileptic encephalopathy, 42. Last evaluated: 2022-05-25. Review status: criteria provided, single submitter. Criteria: ACMG Guidelines, 2015. Collection method: clinical testing. Allele origin: germline. Affected: yes. Observed: 1 variant allele.
Comment: ACMG criteria applied: PM2_SUP, PP2

Labcorp Genetics (formerly Invitae), Labcorp
Classification: Uncertain significance for Developmental and epileptic encephalopathy, 42; Episodic ataxia type 2. Last evaluated: 2021-12-29. Review status: criteria provided, single submitter. Criteria: Invitae Variant Classification Sherloc (09022015). Collection method: clinical testing. Allele origin: germline.
Comment: In summary, the available evidence is currently insufficient to determine the role of this variant in disease. Therefore, it has been classified as a Variant of Uncertain Significance. Algorithms developed to predict the effect of missense changes on protein structure and function are either unavailable or do not agree on the potential impact of this missense change (SIFT: "Tolerated"; PolyPhen-2: "Probably Damaging"; Align-GVGD: "Class C0"). This variant has not been reported in the literature in individuals affected with CACNA1A-related conditions. This variant is not present in population databases (gnomAD no frequency). This sequence change replaces tyrosine, which is neutral and polar, with histidine, which is basic and polar, at codon 12 of the CACNA1A protein (p.Tyr12His).

NM_001127222.2(CACNA1A):c.34T>C (p.Tyr12His)

Gene: CACNA1A (calcium voltage-gated channel subunit alpha1 A; minus strand). Cytogenetic location: 19p13.13.
Variant type: single nucleotide variant.
Coding change: c.34T>C on transcript NM_001127222.2 (MANE Select); coding-DNA position 34, T replaced by C.
Protein change: p.Tyr12His; replaces tyrosine 12 with histidine.
Molecular consequence: missense variant.
Genome position (GRCh38, 1-based): chr19:13,506,191, A>G on the plus strand (T>C on the coding strand, the complement: CACNA1A is on the minus strand). VCF-style: chr19-13506191-A-G. GRCh37 (hg19) VCF-style: chr19-13617005-A-G.
Other names: c.34T>C, p.Tyr12His (NM_000068.4, NM_001127221.2, NM_001174080.2 and 1 more transcripts); short protein forms Y12H.
Identifiers: ClinVar variation 1709463 (VCV001709463.7), dbSNP rs1983017662, ClinGen allele CA404971338.